The following is an entry in ClinVar:

ClinVar aggregate classification (germline): Uncertain significance (1 of 4 stars; one submission).

Conditions:
Idiopathic Pulmonary Fibrosis. Also called: Idiopathic fibrosing alveolitis, chronic form; idiopathic fibrosing alveolitis. Identifiers: Orphanet 2032, MedGen C1800706, MeSH D054990, MONDO:0800504.
Dyskeratosis congenita, autosomal dominant 2. Identifiers: MedGen C3151443, MONDO:0013521, OMIM 613989.

Submission:

Labcorp Genetics (formerly Invitae), Labcorp
Classification: Uncertain significance for Dyskeratosis congenita, autosomal dominant 2; Idiopathic Pulmonary Fibrosis. Last evaluated: 2023-06-11. Review status: criteria provided, single submitter. Criteria: Invitae Variant Classification Sherloc (09022015). Collection method: clinical testing. Allele origin: germline.
Comment: In summary, the available evidence is currently insufficient to determine the role of this variant in disease. Therefore, it has been classified as a Variant of Uncertain Significance. Algorithms developed to predict the effect of missense changes on protein structure and function output the following: SIFT: "Not Available"; PolyPhen-2: "Benign"; Align-GVGD: "Not Available". The cysteine amino acid residue is found in multiple mammalian species, which suggests that this missense change does not adversely affect protein function. This variant has not been reported in the literature in individuals affected with TERT-related conditions. This variant is not present in population databases (gnomAD no frequency). This sequence change replaces serine, which is neutral and polar, with cysteine, which is neutral and slightly polar, at codon 582 of the TERT protein (p.Ser582Cys).

NM_198253.3(TERT):c.1744A>T (p.Ser582Cys)

Gene: TERT (telomerase reverse transcriptase; minus strand). Cytogenetic location: 5p15.33.
Variant type: single nucleotide variant.
Coding change: c.1744A>T on transcript NM_198253.3 (MANE Select); coding-DNA position 1744, A replaced by T.
Protein change: p.Ser582Cys; replaces serine 582 with cysteine.
Molecular consequence: missense variant. On other transcripts: non-coding transcript variant (2).
Genome position (GRCh38, 1-based): chr5:1,282,454, T>A on the plus strand (A>T on the coding strand, the complement: TERT is on the minus strand). VCF-style: chr5-1282454-T-A. GRCh37 (hg19) VCF-style: chr5-1282569-T-A.
Other names: c.1744A>T, p.Ser582Cys (NM_001193376.3, NM_003219.1); short protein forms S582C.
Identifiers: ClinVar variation 2948764 (VCV002948764.3), dbSNP rs2478304723, ClinGen allele CA359082858.